The following is an entry in ClinVar:

NM_001252024.2(TRPM1):c.3444C>T (p.Gly1148=)

Genes: TRPM1 (transient receptor potential cation channel subfamily M member 1; minus strand), TRPM1-AS1 (TRPM1 antisense RNA 1; plus strand), LOC126862088 (BRD4-independent group 4 enhancer GRCh37_chr15:31318084-31319283; plus strand). Cytogenetic location: 15q13.3.
Variant type: single nucleotide variant.
Coding change: c.3444C>T on transcript NM_001252024.2 (MANE Select); coding-DNA position 3444, C replaced by T.
Protein change: p.Gly1148=; no amino-acid change (glycine 1148 retained).
Molecular consequence: synonymous variant.
Genome position (GRCh38, 1-based): chr15:31,026,967, G>A on the plus strand (C>T on the coding strand, the complement: TRPM1 is on the minus strand). VCF-style: chr15-31026967-G-A. GRCh37 (hg19) VCF-style: chr15-31319170-G-A.
Other names: c.3495C>T, p.Gly1165= (NM_001252020.2); c.3378C>T, p.Gly1126= (NM_002420.6).
Identifiers: ClinVar variation 886329 (VCV000886329.17), dbSNP rs79581534, ClinGen allele CA7451881.

ClinVar aggregate classification (germline): Benign/Likely benign. Review status: criteria provided, multiple submitters, no conflicts (2 of 4 stars). 6 submissions from 6 submitters: Benign (3); Likely benign (1). 2 of the submissions do not count toward it. Last evaluated 2026-01-26.

Conditions:
Congenital stationary night blindness 1C. Also called: Night blindness, congenital stationary (complete), 1C, autosomal recessive. Identifiers: Orphanet 215, MedGen C2750747, MONDO:0013183, OMIM 613216.

Allele frequency attached by ClinVar (database versions not stated): gnomAD exomes 0.00041 and 0.00099; ExAC 0.00121; 1000 Genomes Project 30x 0.00328; 1000 Genomes Project 0.00339; gnomAD 0.00413 and 0.00452; TOPMed 0.00453; ESP Exome Variant Server 0.00485.
gnomAD v4.1: 1,277 of 1,614,120 alleles (0.079%); highest among the groups gnomAD compares: African/African-American, 1.5%; 10 homozygotes.

Submissions (6):

Labcorp Genetics (formerly Invitae), Labcorp
Classification: Benign. Last evaluated: 2026-01-26. Review status: criteria provided, single submitter. Criteria: Invitae Variant Classification Sherloc (09022015). Collection method: clinical testing. Allele origin: germline.

Blueprint Genetics
Classification: Likely benign. Last evaluated: 2024-11-11. Review status: criteria provided, single submitter. Criteria: ACMG Guidelines, 2015. Collection method: clinical testing. Allele origin: germline.

Illumina Laboratory Services, Illumina
Classification: Benign for Congenital stationary night blindness 1C. Last evaluated: 2018-01-13. Review status: criteria provided, single submitter. Criteria: ICSL Variant Classification Criteria 13 December 2019. Collection method: clinical testing. Allele origin: germline.
Comment: This variant was observed in the ICSL laboratory as part of a predisposition screen in an ostensibly healthy population. It had not been previously curated by ICSL or reported in the Human Gene Mutation Database (HGMD: prior to June 1st, 2018), and was therefore a candidate for classification through an automated scoring system. Utilizing variant allele frequency, disease prevalence and penetrance estimates, and inheritance mode, an automated score was calculated to assess if this variant is too frequent to cause the disease. Based on the score and internal cut-off values, a variant classified as benign is not then subjected to further curation. The score for this variant resulted in a classification of benign for this disease.

Breakthrough Genomics
Classification: Benign. Review status: criteria provided, single submitter. Criteria: ACMG Guidelines, 2015. Collection method: not provided. Allele origin: germline. Inheritance: Unknown mechanism. Affected: yes.

Clinical Genetics DNA and cytogenetics Diagnostics Lab, Erasmus MC, Erasmus Medical Center
Classification: Benign. Review status: no assertion criteria provided. Collection method: clinical testing. Allele origin: germline. Affected: yes. Study: VKGL Data-share Consensus. Not counted in ClinVar's aggregate classification.

Clinical Genetics, Academic Medical Center
Classification: Benign. Review status: no assertion criteria provided. Collection method: clinical testing. Allele origin: germline. Affected: yes. Study: VKGL Data-share Consensus. Not counted in ClinVar's aggregate classification.